The following is an entry in ClinVar:

NM_002019.4(FLT1):c.2871A>T (p.Leu957=)

Genes: FLT1 (fms related receptor tyrosine kinase 1; minus strand), LOC126861720 (BRD4-independent group 4 enhancer GRCh37_chr13:28896366-28897565; plus strand). Cytogenetic location: 13q12.3.
Variant type: single nucleotide variant.
Coding change: c.2871A>T on transcript NM_002019.4 (MANE Select); coding-DNA position 2871, A replaced by T.
Protein change: p.Leu957=; no amino-acid change (leucine 957 retained).
Molecular consequence: synonymous variant.
Genome position (GRCh38, 1-based): chr13:28,322,872, T>A on the plus strand (A>T on the coding strand, the complement: FLT1 is on the minus strand). VCF-style: chr13-28322872-T-A. GRCh37 (hg19) VCF-style: chr13-28897009-T-A.
Identifiers: ClinVar variation 162079 (VCV000162079.2), dbSNP rs148695719, ClinGen allele CA251201.

ClinVar aggregate classification (germline): not provided (0 of 4 stars; one submission).

Conditions:
Carcinoma of colon (CRC). Also called: Colonic carcinoma; Colon carcinoma. Identifiers: MedGen C0699790, MONDO:0002032.

Allele frequency attached by ClinVar (database versions not stated): gnomAD exomes 0.00001; TOPMed 0.00001; ESP Exome Variant Server 0.00008; ExAC 0.00001.
gnomAD v4.1: 3 of 1,614,198 alleles (0.00019%); highest among the groups gnomAD compares: Non-Finnish European, 0.00025%; no homozygotes.

Submission:

Immunobiology Lab; University of Kashmir
No classification provided. Condition: Carcinoma of colon. Review status: no classification provided. Collection method: not provided. Allele origin: somatic.
ClinVar note: Converted during submission from untested to not provided.